The following is an entry in ClinVar:

NM_000051.4(ATM):c.800C>T (p.Thr267Ile)

Gene: ATM (ATM serine/threonine kinase; plus strand). Cytogenetic location: 11q22.3.
Variant type: single nucleotide variant.
Coding change: c.800C>T on transcript NM_000051.4 (MANE Select); coding-DNA position 800, C replaced by T.
Protein change: p.Thr267Ile; replaces threonine 267 with isoleucine.
Molecular consequence: missense variant.
Genome position (GRCh38, 1-based): chr11:108,244,925, C>T. VCF-style: chr11-108244925-C-T. GRCh37 (hg19) VCF-style: chr11-108115652-C-T.
Other names: c.800C>T, p.Thr267Ile (NM_001351834.2); short protein forms T267I.
Identifiers: ClinVar variation 1761634 (VCV001761634.6), dbSNP rs2135241349, ClinGen allele CA382529371.

ClinVar aggregate classification (germline): Uncertain significance. Review status: criteria provided, multiple submitters, no conflicts (2 of 4 stars). 2 submissions from 2 submitters: Uncertain significance (2). Last evaluated 2025-08-20.

Conditions:
Hereditary cancer-predisposing syndrome. Also called: Neoplastic Syndromes, Hereditary; Tumor predisposition; Hereditary neoplastic syndrome; Hereditary Cancer Syndrome. Identifiers: Orphanet 140162, MedGen C0027672, MeSH D009386, MONDO:0015356.
Ataxia-telangiectasia syndrome (AT). Also called: Ataxia telangiectasia (A-T); LOUIS-BAR SYNDROME; Cerebello-oculocutaneous telangiectasia; Immunodeficiency with ataxia telangiectasia; Ataxia-telangiectasia, complementation group D; AT, COMPLEMENTATION GROUP C. Identifiers: Orphanet 100, MedGen C0004135, MONDO:0008840, OMIM 208900.

Allele frequency attached by ClinVar (database versions not stated): gnomAD exomes below 0.00001.

Submissions (2):

Ambry Genetics
Classification: Uncertain significance for Hereditary cancer-predisposing syndrome. Last evaluated: 2025-08-20. Review status: criteria provided, single submitter. Criteria: Ambry Variant Classification Scheme 2023. Collection method: clinical testing. Allele origin: germline.
Comment: The p.T267I variant (also known as c.800C>T), located in coding exon 6 of the ATM gene, results from a C to T substitution at nucleotide position 800. The threonine at codon 267 is replaced by isoleucine, an amino acid with similar properties. This amino acid position is conserved. In addition, this alteration is predicted to be tolerated by in silico analysis. Since supporting evidence is limited at this time, the clinical significance of this alteration remains unclear.

Labcorp Genetics (formerly Invitae), Labcorp
Classification: Uncertain significance for Ataxia-telangiectasia syndrome. Last evaluated: 2024-01-06. Review status: criteria provided, single submitter. Criteria: Invitae Variant Classification Sherloc (09022015). Collection method: clinical testing. Allele origin: germline.
Comment: This sequence change replaces threonine, which is neutral and polar, with isoleucine, which is neutral and non-polar, at codon 267 of the ATM protein (p.Thr267Ile). This variant is not present in population databases (gnomAD no frequency). This variant has not been reported in the literature in individuals affected with ATM-related conditions. ClinVar contains an entry for this variant (Variation ID: 1761634). An algorithm developed to predict the effect of missense changes on protein structure and function (PolyPhen-2) suggests that this variant is likely to be tolerated. In summary, the available evidence is currently insufficient to determine the role of this variant in disease. Therefore, it has been classified as a Variant of Uncertain Significance.